The following is an entry in ClinVar:

NM_001097639.3(FUT3):c.813C>T (p.Pro271=)

Gene: FUT3 (fucosyltransferase 3 (Lewis blood group); minus strand). Cytogenetic location: 19p13.3.
Variant type: single nucleotide variant.
Coding change: c.813C>T on transcript NM_001097639.3 (MANE Select); coding-DNA position 813, C replaced by T.
Protein change: p.Pro271=; no amino-acid change (proline 271 retained).
Molecular consequence: synonymous variant.
Genome position (GRCh38, 1-based): chr19:5,844,027, G>A on the plus strand (C>T on the coding strand, the complement: FUT3 is on the minus strand). VCF-style: chr19-5844027-G-A. GRCh37 (hg19) VCF-style: chr19-5844038-G-A.
Other names: c.813C>T, p.Pro271= (NM_000149.4, NM_001097640.3, NM_001097641.3 and 8 more transcripts).
Identifiers: ClinVar variation 3354208 (VCV003354208.1).

ClinVar aggregate classification (germline): Likely benign (0 of 4 stars; one submission).

Conditions:
FUT3-related disorder. Also called: FUT3-related condition.

Submission:

PreventionGenetics, part of Exact Sciences
Classification: Likely benign for FUT3-related condition. Last evaluated: 2019-12-06. Review status: no assertion criteria provided. Collection method: clinical testing. Allele origin: germline.
Comment: This variant is classified as likely benign based on ACMG/AMP sequence variant interpretation guidelines (Richards et al. 2015 PMID: 25741868, with internal and published modifications).